The following is an entry in ClinVar:

NM_000384.3(APOB):c.10676T>C (p.Ile3559Thr)

Gene: APOB (apolipoprotein B; minus strand). Cytogenetic location: 2p24.1.
Variant type: single nucleotide variant.
Coding change: c.10676T>C on transcript NM_000384.3 (MANE Select); coding-DNA position 10676, T replaced by C.
Protein change: p.Ile3559Thr; replaces isoleucine 3559 with threonine.
Molecular consequence: missense variant.
Genome position (GRCh38, 1-based): chr2:21,006,192, A>G on the plus strand (T>C on the coding strand, the complement: APOB is on the minus strand). VCF-style: chr2-21006192-A-G. GRCh37 (hg19) VCF-style: chr2-21229064-A-G.
Other names: short protein forms I3559T.
Identifiers: ClinVar variation 1782082 (VCV001782082.5), dbSNP rs1553382934, ClinGen allele CA345985638.

ClinVar aggregate classification (germline): Uncertain significance. Review status: criteria provided, multiple submitters, no conflicts (2 of 4 stars). 2 submissions from 2 submitters: Uncertain significance (2). Last evaluated 2022-04-14.

Conditions:
Cardiovascular phenotype. Identifiers: MedGen CN230736.

Allele frequency attached by ClinVar (database versions not stated): gnomAD exomes below 0.00001; gnomAD 0.00001.
gnomAD v4.1: 4 of 1,613,918 alleles (0.00025%); highest among the groups gnomAD compares: Admixed American, 0.0033%; no homozygotes.

Submissions (2):

ARUP Laboratories, Molecular Genetics and Genomics, ARUP Laboratories
Classification: Uncertain significance. Last evaluated: 2022-04-14. Review status: criteria provided, single submitter. Criteria: ARUP Molecular Germline Variant Investigation Process 2021. Collection method: clinical testing. Allele origin: germline.
Comment: The APOB c.10676T>C, p.Ile3559Thr variant (rs1553382934), to our knowledge, is not reported in the medical literature or gene specific databases. This variant is absent from the Genome Aggregation Database, indicating it is not a common polymorphism. The isoleucine at codon 3559 is moderately conserved, and computational analyses are uncertain whether this variant is neutral or deleterious (REVEL: 0.665). However, given the lack of clinical and functional data, the significance of the p.Ile3559Thr variant is uncertain at this time.

Ambry Genetics
Classification: Uncertain significance for Cardiovascular phenotype. Last evaluated: 2021-10-13. Review status: criteria provided, single submitter. Criteria: Ambry Variant Classification Scheme 2023. Collection method: clinical testing. Allele origin: germline.
Comment: The p.I3559T variant (also known as c.10676T>C), located in coding exon 26 of the APOB gene, results from a T to C substitution at nucleotide position 10676. The isoleucine at codon 3559 is replaced by threonine, an amino acid with similar properties. This amino acid position is conserved. In addition, the in silico prediction for this alteration is inconclusive. Since supporting evidence is limited at this time, the clinical significance of this alteration remains unclear.